The following is an entry in ClinVar:

ClinVar aggregate classification (germline): Likely benign (1 of 4 stars; one submission).

Conditions:
ACOX2-related disorder. Also called: ACOX2-related condition.

gnomAD v4.1: 9 of 1,613,982 alleles (0.00056%); highest among the groups gnomAD compares: East Asian, 0.0045%; no homozygotes.

Submission:

PreventionGenetics, part of Exact Sciences
Classification: Likely benign for ACOX2-related condition. Last evaluated: 2025-03-20. Review status: criteria provided, single submitter. Criteria: ACMG Guidelines, 2015. Collection method: clinical testing. Allele origin: germline.
Comment: This variant is classified as likely benign based on ACMG/AMP sequence variant interpretation guidelines (Richards et al. 2015 PMID: 25741868, with internal and published modifications).

NM_003500.4(ACOX2):c.1503G>A (p.Thr501=)

Gene: ACOX2 (acyl-CoA oxidase 2; minus strand). Cytogenetic location: 3p14.3.
Variant type: single nucleotide variant.
Coding change: c.1503G>A on transcript NM_003500.4 (MANE Select); coding-DNA position 1503, G replaced by A.
Protein change: p.Thr501=; no amino-acid change (threonine 501 retained).
Molecular consequence: synonymous variant.
Genome position (GRCh38, 1-based): chr3:58,524,449, C>T on the plus strand (G>A on the coding strand, the complement: ACOX2 is on the minus strand). VCF-style: chr3-58524449-C-T. GRCh37 (hg19) VCF-style: chr3-58510176-C-T.
Identifiers: ClinVar variation 4977325 (VCV004977325.1).